The following is an entry in ClinVar:

ClinVar aggregate classification (germline): Likely benign (1 of 4 stars; one submission).

Allele frequency attached by ClinVar (database versions not stated): gnomAD 0.00425; 1000 Genomes Project 0.00459; TOPMed 0.00496; 1000 Genomes Project 30x 0.00547.
gnomAD v4.1: 1,275 of 1,300,984 alleles (0.098%); highest among the groups gnomAD compares: African/African-American, 1.5%; 7 homozygotes.

Submission:

GeneDx
Classification: Likely benign. Last evaluated: 2019-06-09. Review status: criteria provided, single submitter. Criteria: GeneDx Variant Classification Process June 2021. Collection method: clinical testing. Allele origin: germline. Affected: yes.
Comment: See Variant Classification Assertion Criteria.

NM_001277115.2(DNAH11):c.6983+105C>T

Gene: DNAH11 (dynein axonemal heavy chain 11; plus strand). Cytogenetic location: 7p15.3.
Variant type: single nucleotide variant.
Coding change: c.6983+105C>T on transcript NM_001277115.2 (MANE Select); 105 bases into the intron after coding-DNA position 6983, C replaced by T.
Molecular consequence: intron variant.
Genome position (GRCh38, 1-based): chr7:21,711,965, C>T. VCF-style: chr7-21711965-C-T. GRCh37 (hg19) VCF-style: chr7-21751583-C-T.
Identifiers: ClinVar variation 1707345 (VCV001707345.2), dbSNP rs189026326, ClinGen allele CA155082685.